The following is an entry in ClinVar:

ClinVar aggregate classification (germline): Uncertain significance (1 of 4 stars; one submission).

Submission:

GeneDx
Classification: Uncertain significance. Last evaluated: 2017-01-07. Review status: criteria provided, single submitter. Criteria: GeneDx Variant Classification (06012015). Collection method: clinical testing. Allele origin: germline. Affected: yes.
Comment: Missense variants in the TTN gene are considered 'unclassified' if they are not previously reported in the literature and do not have >1% frequency in the population to be considered a polymorphism. Research indicates that truncating mutations in the TTN gene are expected to account for approximately 25% of familial and 18% of sporadic idiopathic DCM; however, truncating variants in the TTN gene have been reported in approximately 3% of reported control alleles. There has been little investigation into non-truncating variants. (Herman D et al. Truncations of titin causing dilated cardiomyopathy. N Eng J Med 366:619-628, 2012) The variant is found in DCM panel(s).

NM_001267550.2(TTN):c.19601G>T (p.Arg6534Ile)

Gene: TTN (titin; minus strand). Cytogenetic location: 2q31.2.
Variant type: single nucleotide variant.
Coding change: c.19601G>T on transcript NM_001267550.2 (MANE Select); coding-DNA position 19601, G replaced by T.
Protein change: p.Arg6534Ile; replaces arginine 6534 with isoleucine.
Molecular consequence: missense variant. On other transcripts: intron variant (3).
Genome position (GRCh38, 1-based): chr2:178,728,223, C>A on the plus strand (G>T on the coding strand, the complement: TTN is on the minus strand). VCF-style: chr2-178728223-C-A. GRCh37 (hg19) VCF-style: chr2-179592950-C-A.
Other names: p.R6217I:AGA>ATA; c.18650G>T, p.Arg6217Ile (NM_001256850.1); c.15869G>T, p.Arg5290Ile (NM_133378.4); c.13282+9859G>T (NM_003319.4); c.13858+9859G>T (NM_133437.4); c.13657+9859G>T (NM_133432.3); short protein forms R6217I, R6534I, R5290I.
Identifiers: ClinVar variation 203280 (VCV000203280.2), dbSNP rs794729618, ClinGen allele CA311904.